The following is an entry in ClinVar:

NM_138694.4(PKHD1):c.10657A>G (p.Ile3553Val)

Gene: PKHD1 (PKHD1 ciliary IPT domain containing fibrocystin/polyductin; minus strand). Cytogenetic location: 6p12.3.
Variant type: single nucleotide variant.
Coding change: c.10657A>G on transcript NM_138694.4 (MANE Select); coding-DNA position 10657, A replaced by G.
Protein change: p.Ile3553Val; replaces isoleucine 3553 with valine.
Molecular consequence: missense variant.
Genome position (GRCh38, 1-based): chr6:51,659,469, T>C on the plus strand (A>G on the coding strand, the complement: PKHD1 is on the minus strand). VCF-style: chr6-51659469-T-C. GRCh37 (hg19) VCF-style: chr6-51524267-T-C.
Other names: short protein forms I3553V.
Identifiers: ClinVar variation 2181244 (VCV002181244.1), dbSNP rs1772462752, ClinGen allele CA364433190.

ClinVar aggregate classification (germline): Uncertain significance (1 of 4 stars; one submission).

Conditions:
Autosomal recessive polycystic kidney disease (ARPKD). Also called: AR polycystic kidney disease. Identifiers: Orphanet 731, Orphanet 8378, MedGen C0085548, MeSH D017044, MONDO:0009889.

Submission:

Labcorp Genetics (formerly Invitae), Labcorp
Classification: Uncertain significance for Autosomal recessive polycystic kidney disease. Last evaluated: 2022-10-03. Review status: criteria provided, single submitter. Criteria: Invitae Variant Classification Sherloc (09022015). Collection method: clinical testing. Allele origin: germline.
Comment: This sequence change replaces isoleucine, which is neutral and non-polar, with valine, which is neutral and non-polar, at codon 3553 of the PKHD1 protein (p.Ile3553Val). This variant is not present in population databases (gnomAD no frequency). This variant has not been reported in the literature in individuals affected with PKHD1-related conditions. Advanced modeling of protein sequence and biophysical properties (such as structural, functional, and spatial information, amino acid conservation, physicochemical variation, residue mobility, and thermodynamic stability) performed at Invitae indicates that this missense variant is not expected to disrupt PKHD1 protein function. This variant disrupts the p.Ile3553 amino acid residue in PKHD1. Other variant(s) that disrupt this residue have been determined to be pathogenic (PMID: 11919560, 29956005). This suggests that this residue is clinically significant, and that variants that disrupt this residue are likely to be disease-causing. In summary, the available evidence is currently insufficient to determine the role of this variant in disease. Therefore, it has been classified as a Variant of Uncertain Significance.

Literature cited by the submitters: PubMed 11919560; PubMed 29956005.